The following is an entry in ClinVar:

NC_000006.11:g.(?_3085473)_(3085662_?)del

Gene: RIPK1 (receptor interacting serine/threonine kinase 1; plus strand). Cytogenetic location: 6p25.2.
Variant type: Deletion.
Identifiers: ClinVar variation 3246171 (VCV003246171.1).

ClinVar aggregate classification (germline): Uncertain significance (1 of 4 stars; one submission).

Submission:

Labcorp Genetics (formerly Invitae), Labcorp
Classification: Uncertain significance. Last evaluated: 2024-01-18. Review status: criteria provided, single submitter. Criteria: Invitae Variant Classification Sherloc (09022015). Collection method: clinical testing. Allele origin: unknown.
Comment: This variant is a gross deletion of the genomic region encompassing exon(s) 6 of the RIPK1 gene. This variant would be expected to be in-frame, preserving the integrity of the reading frame. This variant has not been reported in the literature in individuals affected with RIPK1-related conditions. Experimental studies and prediction algorithms are not available or were not evaluated, and the functional significance of this variant is currently unknown. In summary, the available evidence is currently insufficient to determine the role of this variant in disease. Therefore, it has been classified as a Variant of Uncertain Significance.